The following is an entry in ClinVar:

NM_182760.4(SUMF1):c.50G>T (p.Gly17Val)

Gene: SUMF1 (sulfatase modifying factor 1; minus strand). Cytogenetic location: 3p26.1.
Variant type: single nucleotide variant.
Coding change: c.50G>T on transcript NM_182760.4 (MANE Select); coding-DNA position 50, G replaced by T.
Protein change: p.Gly17Val; replaces glycine 17 with valine.
Molecular consequence: missense variant.
Genome position (GRCh38, 1-based): chr3:4,467,196, C>A on the plus strand (G>T on the coding strand, the complement: SUMF1 is on the minus strand). VCF-style: chr3-4467196-C-A. GRCh37 (hg19) VCF-style: chr3-4508880-C-A.
Other names: c.50G>T, p.Gly17Val (NM_001164674.2, NM_001164675.2); short protein forms G17V.
Identifiers: ClinVar variation 1375783 (VCV001375783.5), dbSNP rs752608083, ClinGen allele CA351794661.
Genomic context (GRCh38, chr3:4,467,196, plus strand): 5'-GCCTCCTGGCTCCCTGCCGCTCCACACAGCAGCGAGAGCAGCAGCAGCAAGAGGACGAGA[C>A]CCAGCTCAGGGCAACGTCCACACACCAGCCCTAGTGCGGGCGCAGCCATGTTGTCCCGCG-3'
Protein context (NP_877437.2, residues 7-27): GLVCGRCPEL[Gly17Val]LVLLLLLLSL

ClinVar aggregate classification (germline): Uncertain significance (1 of 4 stars; one submission).

Conditions:
Multiple sulfatase deficiency (MSD). Also called: Mucosulfatidosis; Multiple Sulfatase Deficiency Disease; Sulfatidosis, Juvenile, Austin Type. Identifiers: Orphanet 585, MedGen C0268263, MONDO:0010088, OMIM 272200.

gnomAD v4.1: 1 of 1,611,284 alleles (0.000062%); highest among the groups gnomAD compares: Non-Finnish European, 0.000085%; no homozygotes.

Submission:

Labcorp Genetics (formerly Invitae), Labcorp
Classification: Uncertain significance for Multiple sulfatase deficiency. Last evaluated: 2024-10-30. Review status: criteria provided, single submitter. Criteria: Invitae Variant Classification Sherloc (09022015). Collection method: clinical testing. Allele origin: germline.
Comment: This sequence change replaces glycine, which is neutral and non-polar, with valine, which is neutral and non-polar, at codon 17 of the SUMF1 protein (p.Gly17Val). This variant is not present in population databases (gnomAD no frequency). This variant has not been reported in the literature in individuals affected with SUMF1-related conditions. ClinVar contains an entry for this variant (Variation ID: 1375783). Invitae Evidence Modeling of protein sequence and biophysical properties (such as structural, functional, and spatial information, amino acid conservation, physicochemical variation, residue mobility, and thermodynamic stability) indicates that this missense variant is not expected to disrupt SUMF1 protein function with a negative predictive value of 95%. In summary, the available evidence is currently insufficient to determine the role of this variant in disease. Therefore, it has been classified as a Variant of Uncertain Significance.